The following is an entry in ClinVar:

ClinVar aggregate classification (germline): Benign/Likely benign. Review status: criteria provided, multiple submitters, no conflicts (2 of 4 stars). 8 submissions from 8 submitters: Benign (6); Likely benign (2). Last evaluated 2026-06-01.

Conditions:
Progressive familial intrahepatic cholestasis type 1. Also called: Severe ATP8B1 Deficiency (Progressive Familial Intrahepatic Cholestasis Type 1 [PFIC1]); BYLER DISEASE; Byler's disease. Identifiers: Orphanet 79306, MedGen C4551898, MONDO:0008892, OMIM 211600.
Familial intrahepatic cholestasis. Identifiers: Orphanet 284385, MedGen CN296401, MONDO:0017290.

Allele frequency attached by ClinVar (database versions not stated): gnomAD exomes 0.00319; ExAC 0.00384; gnomAD 0.01217 and 0.01293; TOPMed 0.01323; ESP Exome Variant Server 0.01353; 1000 Genomes Project 0.01418; 1000 Genomes Project 30x 0.01468.
gnomAD v4.1: 3,527 of 1,614,236 alleles (0.22%); highest among the groups gnomAD compares: African/African-American, 4.3%; 73 homozygotes.

Submissions (8):

CeGaT Center for Human Genetics Tuebingen
Classification: Benign. Last evaluated: 2026-06-01. Review status: criteria provided, single submitter. Criteria: CeGaT Center For Human Genetics Tuebingen Variant Classification Criteria Version 2. Collection method: clinical testing. Allele origin: germline. Affected: yes. Observed: 2 variant alleles.
Comment: ATP8B1: PP2, BP4, BS1, BS2

Genomenon, Inc
Classification: Benign for Familial intrahepatic cholestasis. Last evaluated: 2026-04-14. Review status: criteria provided, single submitter. Criteria: Genomenon Sequence Variant Interpretation Standards - Updated. Collection method: curation. Allele origin: germline. Affected: no.
Comment: ATP8B1 p.Ser580Asn (c.1739G>A) is a missense variant that changes the amino acid at residue 580 from Serine to Asparagine. In silico models predict that this variant is not damaging. This variant is present at high allele frequency in population databases. In conclusion, we classify ATP8B1 p.Ser580Asn (c.1739G>A) as a benign variant.

Labcorp Genetics (formerly Invitae), Labcorp
Classification: Benign. Last evaluated: 2026-01-28. Review status: criteria provided, single submitter. Criteria: Invitae Variant Classification Sherloc (09022015). Collection method: clinical testing. Allele origin: germline.

Mayo Clinic Laboratories, Mayo Clinic
Classification: Benign. Last evaluated: 2022-04-20. Review status: criteria provided, single submitter. Criteria: ACMG Guidelines, 2015. Collection method: clinical testing. Allele origin: germline. Observed: 8 variant alleles.
Comment: BA1, BP4

Illumina Laboratory Services, Illumina
Classification: Benign for Progressive familial intrahepatic cholestasis type 1. Last evaluated: 2018-01-12. Review status: criteria provided, single submitter. Criteria: ICSL Variant Classification Criteria 13 December 2019. Collection method: clinical testing. Allele origin: germline.
Comment: This variant was observed in the ICSL laboratory as part of a predisposition screen in an ostensibly healthy population. It had not been previously curated by ICSL or reported in the Human Gene Mutation Database (HGMD: prior to June 1st, 2018), and was therefore a candidate for classification through an automated scoring system. Utilizing variant allele frequency, disease prevalence and penetrance estimates, and inheritance mode, an automated score was calculated to assess if this variant is too frequent to cause the disease. Based on the score and internal cut-off values, a variant classified as benign is not then subjected to further curation. The score for this variant resulted in a classification of benign for this disease.

Center for Pediatric Genomic Medicine, Children's Mercy Hospital and Clinics
Classification: Likely benign. Last evaluated: 2017-01-23. Review status: criteria provided, single submitter. Criteria: ACMG Guidelines, 2015. Collection method: clinical testing. Allele origin: germline.
ClinVar note: Converted during submission from Likely Benign to Likely benign.

GeneDx
Classification: Benign. Last evaluated: 2016-02-08. Review status: criteria provided, single submitter. Criteria: GeneDx Variant Classification (06012015). Collection method: clinical testing. Allele origin: germline. Affected: yes.
Comment: This variant is considered likely benign or benign based on one or more of the following criteria: it is a conservative change, it occurs at a poorly conserved position in the protein, it is predicted to be benign by multiple in silico algorithms, and/or has population frequency not consistent with disease.

Breakthrough Genomics
Classification: Likely benign. Review status: criteria provided, single submitter. Criteria: ACMG Guidelines, 2015. Collection method: not provided. Allele origin: germline. Inheritance: Autosomal recessive inheritance. Affected: yes.

NM_001374385.1(ATP8B1):c.1739G>A (p.Ser580Asn)

Gene: ATP8B1 (ATPase phospholipid transporting 8B1; minus strand). Cytogenetic location: 18q21.31.
Variant type: single nucleotide variant.
Coding change: c.1739G>A on transcript NM_001374385.1 (MANE Select); coding-DNA position 1739, G replaced by A.
Protein change: p.Ser580Asn; replaces serine 580 with asparagine.
Molecular consequence: missense variant.
Genome position (GRCh38, 1-based): chr18:57,674,914, C>T on the plus strand (G>A on the coding strand, the complement: ATP8B1 is on the minus strand). VCF-style: chr18-57674914-C-T. GRCh37 (hg19) VCF-style: chr18-55342146-C-T.
Other names: c.1589G>A, p.Ser530Asn (NM_001374386.1); c.1739G>A, p.Ser580Asn (NM_005603.6); short protein forms S580N, S530N.
Identifiers: ClinVar variation 327484 (VCV000327484.40), dbSNP rs33963153, ClinGen allele CA8974490.
Genomic context (GRCh38, chr18:57,674,914, plus strand): 5'-CGGTCACTGTTGAAGTCCAAAATGGCAAGAACATTGTAAGTCCTTTCAGTGCCCAGTTCA[C>T]TGATGGTGATGGTGTTCTGGGTCCTGGCGAGGAAGGCAAAGCCAAAGTTCCTGGCAGCGT-3'
Protein context (NP_001361314.1, residues 570-590): LARTQNTITI[Ser580Asn]ELGTERTYNV